The following is an entry in ClinVar:

NM_000132.4(F8):c.3175A>T (p.Lys1059Ter)

Gene: F8 (coagulation factor VIII; minus strand). Cytogenetic location: Xq28.
Variant type: single nucleotide variant.
Coding change: c.3175A>T on transcript NM_000132.4 (MANE Select); coding-DNA position 3175, A replaced by T.
Protein change: p.Lys1059Ter; replaces lysine 1059 with a stop codon.
Molecular consequence: nonsense.
Genome position (GRCh38, 1-based): chrX:154,930,615, T>A on the plus strand (A>T on the coding strand, the complement: F8 is on the minus strand). VCF-style: chrX-154930615-T-A. GRCh37 (hg19) VCF-style: chrX-154158890-T-A.
Other names: short protein forms K1059*.
Identifiers: ClinVar variation 5013329 (VCV005013329.1).

ClinVar aggregate classification (germline): Pathogenic (1 of 4 stars; one submission).

Conditions:
Hereditary factor VIII deficiency disease (HEMA). Also called: AUTOSOMAL HEMOPHILIA A; Hemophilia A; Hemophilia A, congenital; HEM A; Factor 8 deficiency, congenital; HEMOPHILIA, CLASSIC. Identifiers: Orphanet 98878, MedGen C0019069, MONDO:0010602, OMIM 306700.

gnomAD v4.1: 1 of 1,210,402 alleles (0.000083%); highest among the groups gnomAD compares: Non-Finnish European, 0.00011%; no homozygotes.

Submission:

Myriad Genetics, Inc.
Classification: Pathogenic for Hereditary factor VIII deficiency disease. Last evaluated: 2024-07-17. Review status: criteria provided, single submitter. Criteria: Myriad Autosomal Dominant, Autosomal Recessive and X-Linked Classification Criteria (2023). Collection method: clinical testing. Allele origin: unknown.
Comment: NM_000132.3(F8):c.3175A>T(K1059*) is expected to be pathogenic in the context of hemophilia A. This variant is predicted to lead to an abnormal or absent protein product due to the creation of a premature termination codon in F8, a gene where loss-of-function variants are known to be pathogenic. Please note: this variant was assessed in the context of healthy population screening.